The following is an entry in ClinVar:

ClinVar aggregate classification (germline): Benign. Review status: reviewed by expert panel (3 of 4 stars). 9 submissions from 9 submitters: Benign (1). 8 of the submissions do not count toward it. Last evaluated 2026-08-10.

Conditions:
Creatine transporter deficiency (CCDS1). Also called: CREATINE TRANSPORTER DEFECT; CEREBRAL CREATINE DEFICIENCY SYNDROME 1; Mental retardation , X-linked with seizures, short stature and midface hypoplasia; Mental retardation , X-linked, with creatine transport deficiency; X-linked creatine transporter deficiency; X-linked creatine deficiency syndrome. Identifiers: Orphanet 52503, MedGen C1845862, MONDO:0010305, OMIM 300352.
SLC6A8-related disorder. Also called: SLC6A8-related condition.
Inborn genetic diseases. Identifiers: MedGen C0950123, MeSH D030342.

Allele frequency attached by ClinVar (database versions not stated): gnomAD 0.00005; TOPMed 0.00006; gnomAD exomes 0.00007; ExAC 0.00011.
gnomAD v4.1: 113 of 1,209,158 alleles (0.0093%); highest among the groups gnomAD compares: South Asian, 0.021%; no homozygotes.

Submissions (9):

ClinGen Cerebral Creatine Deficiency Syndromes Variant Curation Expert Panel, ClinGen
Classification: Benign for Creatine transporter deficiency. Last evaluated: 2026-08-10. Review status: reviewed by expert panel. Criteria: ClinGen CCDS ACMG Specifications SLC6A8 V2.1. Collection method: curation. Allele origin: germline. Inheritance: X-linked inheritance.
Comment: The NM_005629.4:c.820G>A variant in SLC6A8 is a missense variant predicted to cause the substitution of a valine by a methionine at amino acid position 274 (p.Val274Met). There are 36 total homo- and hemizygotes in gnomAD v4.1.0, which is higher than the ClinGen CCDS VCEP’s threshold for BA1 (≥10 total homo- and hemizygotes), and therefore meets this criterion (BA1). The computational predictor REVEL gives a score of 0.559, which is less than the ClinGen CCDS VCEP’s threshold for PP3 (>0.75) but greater than the ClinGen CCDS VCEP’s threshold for BP4 (<0.2), such that neither of these criteria are met. There is a ClinVar entry for this variant (Variation ID: 4416002). In summary, this variant meets the criteria to be classified as benign for creatine transporter deficiency based on the SLC6A8-specific ACMG/AMP criteria applied, as specified by the ClinGen Cerebral Creatine Deficiency Syndromes Variant Curation Expert Panel (Specifications Version 2.1.0): BA1 (Classification approved by the ClinGen Cerebral Creatine Deficiency Syndromes Variant Curation Expert Panel on August 10, 2026)

Ambry Genetics
Classification: Likely benign for Inborn genetic diseases. Last evaluated: 2026-07-13. Review status: criteria provided, single submitter. Criteria: Ambry Variant Classification Scheme 2023. Collection method: clinical testing. Allele origin: germline. Not counted in ClinVar's aggregate classification.

Labcorp Genetics (formerly Invitae), Labcorp
Classification: Benign for Creatine transporter deficiency. Last evaluated: 2026-02-01. Review status: criteria provided, single submitter. Criteria: Invitae Variant Classification Sherloc (09022015). Collection method: clinical testing. Allele origin: germline. Not counted in ClinVar's aggregate classification.

Mayo Clinic Laboratories, Mayo Clinic
Classification: Uncertain significance. Last evaluated: 2025-03-28. Review status: criteria provided, single submitter. Criteria: ACMG Guidelines, 2015. Collection method: clinical testing. Allele origin: germline. Observed: 1 variant allele. Not counted in ClinVar's aggregate classification.
Comment: BS1

Blueprint Genetics
Classification: Likely benign. Last evaluated: 2024-07-24. Review status: criteria provided, single submitter. Criteria: ACMG Guidelines, 2015. Collection method: clinical testing. Allele origin: germline. Not counted in ClinVar's aggregate classification.

GeneDx
Classification: Likely benign. Last evaluated: 2018-07-27. Review status: criteria provided, single submitter. Criteria: GeneDx Variant Classification Process June 2021. Collection method: clinical testing. Allele origin: germline. Affected: yes. Not counted in ClinVar's aggregate classification.

PreventionGenetics, part of Exact Sciences
Classification: Likely benign for SLC6A8-related condition. Last evaluated: 2022-04-21. Review status: no assertion criteria provided. Collection method: clinical testing. Allele origin: germline. Not counted in ClinVar's aggregate classification.
Comment: This variant is classified as likely benign based on ACMG/AMP sequence variant interpretation guidelines (Richards et al. 2015 PMID: 25741868, with internal and published modifications).

Clinical Genetics DNA and cytogenetics Diagnostics Lab, Erasmus MC, Erasmus Medical Center
Classification: Uncertain significance. Review status: no assertion criteria provided. Collection method: clinical testing. Allele origin: germline. Affected: yes. Study: VKGL Data-share Consensus. Not counted in ClinVar's aggregate classification.

Diagnostic Laboratory, Department of Genetics, University Medical Center Groningen
Classification: Uncertain significance. Review status: no assertion criteria provided. Collection method: clinical testing. Allele origin: germline. Affected: yes. Study: VKGL Data-share Consensus. Not counted in ClinVar's aggregate classification.

Literature cited by the submitters: PubMed 27133397 (cited by Ambry Genetics and Mayo Clinic Laboratories, Mayo Clinic).

NM_005629.4(SLC6A8):c.820G>A (p.Val274Met)

Gene: SLC6A8 (solute carrier family 6 member 8; plus strand). Cytogenetic location: Xq28.
Variant type: single nucleotide variant.
Coding change: c.820G>A on transcript NM_005629.4 (MANE Select); coding-DNA position 820, G replaced by A.
Protein change: p.Val274Met; replaces valine 274 with methionine.
Molecular consequence: missense variant.
Genome position (GRCh38, 1-based): chrX:153,693,083, G>A. VCF-style: chrX-153693083-G-A. GRCh37 (hg19) VCF-style: chrX-152958538-G-A.
Other names: NM_005629.4(SLC6A8):c.820G>A; p.Val274Met; c.820G>A, p.Val274Met (NM_001142805.2); c.475G>A, p.Val159Met (NM_001142806.1); short protein forms V274M, V159M.
Identifiers: ClinVar variation 416002 (VCV000416002.25), dbSNP rs782208622, ClinGen allele CA10549333.